The following is an entry in ClinVar:

NM_144687.4(NLRP12):c.1475C>G (p.Ser492Cys)

Gene: NLRP12 (NLR family pyrin domain containing 12; minus strand). Cytogenetic location: 19q13.42.
Variant type: single nucleotide variant.
Coding change: c.1475C>G on transcript NM_144687.4 (MANE Select); coding-DNA position 1475, C replaced by G.
Protein change: p.Ser492Cys; replaces serine 492 with cysteine.
Molecular consequence: missense variant.
Genome position (GRCh38, 1-based): chr19:53,810,184, G>C on the plus strand (C>G on the coding strand, the complement: NLRP12 is on the minus strand). VCF-style: chr19-53810184-G-C. GRCh37 (hg19) VCF-style: chr19-54313438-G-C.
Other names: c.1475C>G, p.Ser492Cys (NM_001277126.2, NM_001277129.1); short protein forms S492C.
Identifiers: ClinVar variation 1922395 (VCV001922395.5), dbSNP rs1343729364, ClinGen allele CA407413387.
Genomic context (GRCh38, chr19:53,810,184, plus strand): 5'-AAGCTGTAGTACCTCTCACAGTTGATGTCCTTCTGGAAGATGTTCATGTTGAGGAAGGCA[G>C]AGACGTCTTCCCCGTCTAGGCCGTGCTTCCGGAGGTCCTGCTCCTCAAATAGGATTTTCT-3'
Protein context (NP_653288.1, residues 482-502): RKHGLDGEDV[Ser492Cys]AFLNMNIFQK

ClinVar aggregate classification (germline): Uncertain significance (1 of 4 stars; one submission).

Conditions:
Familial cold autoinflammatory syndrome 2 (FCAS2). Identifiers: Orphanet 247868, MedGen C2673198, MONDO:0012724, OMIM 611762.

Submission:

Labcorp Genetics (formerly Invitae), Labcorp
Classification: Uncertain significance for Familial cold autoinflammatory syndrome 2. Last evaluated: 2022-10-07. Review status: criteria provided, single submitter. Criteria: Invitae Variant Classification Sherloc (09022015). Collection method: clinical testing. Allele origin: germline.
Comment: This sequence change replaces serine, which is neutral and polar, with cysteine, which is neutral and slightly polar, at codon 492 of the NLRP12 protein (p.Ser492Cys). This variant is not present in population databases (gnomAD no frequency). This variant has not been reported in the literature in individuals affected with NLRP12-related conditions. Advanced modeling of protein sequence and biophysical properties (such as structural, functional, and spatial information, amino acid conservation, physicochemical variation, residue mobility, and thermodynamic stability) performed at Invitae indicates that this missense variant is not expected to disrupt NLRP12 protein function. In summary, the available evidence is currently insufficient to determine the role of this variant in disease. Therefore, it has been classified as a Variant of Uncertain Significance.